The following is an entry in ClinVar:

NM_005259.3(MSTN):c.*1450T>C

Genes: C2orf88 (chromosome 2 open reading frame 88; plus strand), MSTN (myostatin; minus strand). Cytogenetic location: 2q32.2.
Variant type: single nucleotide variant.
Coding change: c.*1450T>C on transcript NM_005259.3 (MANE Select); 1450 bases downstream of the stop codon, T replaced by C.
Molecular consequence: 3 prime UTR variant.
Genome position (GRCh38, 1-based): chr2:190,055,808, A>G on the plus strand (T>C on the coding strand, the complement: MSTN is on the minus strand). VCF-style: chr2-190055808-A-G. GRCh37 (hg19) VCF-style: chr2-190920534-A-G.
Other names: c.*1450T>C (LRG_200t1).
Identifiers: ClinVar variation 333216 (VCV000333216.5), dbSNP rs144167726, ClinGen allele CA10612240.

ClinVar aggregate classification (germline): Benign (1 of 4 stars; one submission).

Conditions:
Myostatin-related muscle hypertrophy (MSLHP). Also called: MUSCLE HYPERTROPHY. Identifiers: Orphanet 275534, MedGen C2931112, MONDO:0013598, OMIM 614160.

Allele frequency attached by ClinVar (database versions not stated): 1000 Genomes Project 30x 0.00781; 1000 Genomes Project 0.00799; gnomAD 0.00988 and 0.01016; TOPMed 0.01153.

Submission:

Illumina Laboratory Services, Illumina
Classification: Benign for Myostatin-related muscle hypertrophy. Last evaluated: 2018-01-13. Review status: criteria provided, single submitter. Criteria: ICSL Variant Classification Criteria 13 December 2019. Collection method: clinical testing. Allele origin: germline.
Comment: This variant was observed in the ICSL laboratory as part of a predisposition screen in an ostensibly healthy population. It had not been previously curated by ICSL or reported in the Human Gene Mutation Database (HGMD: prior to June 1st, 2018), and was therefore a candidate for classification through an automated scoring system. Utilizing variant allele frequency, disease prevalence and penetrance estimates, and inheritance mode, an automated score was calculated to assess if this variant is too frequent to cause the disease. Based on the score and internal cut-off values, a variant classified as benign is not then subjected to further curation. The score for this variant resulted in a classification of benign for this disease.